The following is an entry in ClinVar:

NM_000059.4(BRCA2):c.1995A>G (p.Thr665=)

Gene: BRCA2 (BRCA2 DNA repair associated; plus strand). Cytogenetic location: 13q13.1.
Variant type: single nucleotide variant.
Coding change: c.1995A>G on transcript NM_000059.4 (MANE Select); coding-DNA position 1995, A replaced by G.
Protein change: p.Thr665=; no amino-acid change (threonine 665 retained).
Molecular consequence: synonymous variant.
Genome position (GRCh38, 1-based): chr13:32,336,350, A>G. VCF-style: chr13-32336350-A-G. GRCh37 (hg19) VCF-style: chr13-32910487-A-G.
Identifiers: ClinVar variation 232442 (VCV000232442.16), dbSNP rs750349385, ClinGen allele CA6940574.

ClinVar aggregate classification (germline): Likely benign. Review status: reviewed by expert panel (3 of 4 stars). 4 submissions from 4 submitters: Likely benign (1). 3 of the submissions do not count toward it. Last evaluated 2017-06-29.

Conditions:
Hereditary cancer-predisposing syndrome. Also called: Hereditary Cancer Syndrome; Neoplastic Syndromes, Hereditary; Tumor predisposition; Hereditary neoplastic syndrome. Identifiers: Orphanet 140162, MedGen C0027672, MeSH D009386, MONDO:0015356.
Breast-ovarian cancer, familial, susceptibility to, 2 (BROVCA2). Also called: BRCA2 Hereditary Breast and Ovarian Cancer. Identifiers: Orphanet 145, MedGen C2675520, MONDO:0012933, OMIM 612555. Disease mechanism: loss of function.
Hereditary breast ovarian cancer syndrome. Also called: Hereditary breast and/or ovarian cancer syndrome; BRCA1- and BRCA2-Associated Hereditary Breast and Ovarian Cancer; Hereditary breast and ovarian cancer syndrome (HBOC); Hereditary breast and ovarian cancer; Hereditary breast and ovarian cancer syndrome; Breast and ovarian cancer. Identifiers: Orphanet 145, MedGen C0677776, MeSH D061325, MONDO:0003582. Disease mechanism: loss of function.

Allele frequency attached by ClinVar (database versions not stated): gnomAD exomes below 0.00001 and 0.00001; ExAC 0.00001.
gnomAD v4.1: 3 of 1,607,888 alleles (0.00019%); highest among the groups gnomAD compares: Non-Finnish European, 0.00025%; no homozygotes.

Submissions (4):

Evidence-based Network for the Interpretation of Germline Mutant Alleles (ENIGMA)
Classification: Likely benign for Breast-ovarian cancer, familial, susceptibility to, 2. Last evaluated: 2017-06-29. Review status: reviewed by expert panel. Criteria: ENIGMA BRCA1/2 Classification Criteria (2017-06-29). Collection method: curation. Allele origin: germline.
Comment: Synonymous substitution variant, with low bioinformatic likelihood to result in a splicing aberration (Splicing prior probability 0.02).

Labcorp Genetics (formerly Invitae), Labcorp
Classification: Likely benign for Hereditary breast ovarian cancer syndrome. Last evaluated: 2025-11-10. Review status: criteria provided, single submitter. Criteria: Invitae Variant Classification Sherloc (09022015). Collection method: clinical testing. Allele origin: germline. Not counted in ClinVar's aggregate classification.

Color Diagnostics, LLC DBA Color Health
Classification: Likely benign for Hereditary cancer-predisposing syndrome. Last evaluated: 2025-08-14. Review status: criteria provided, single submitter. Criteria: ACMG Guidelines, 2015. Collection method: clinical testing. Allele origin: germline. Not counted in ClinVar's aggregate classification.

Ambry Genetics
Classification: Likely benign for Hereditary cancer-predisposing syndrome. Last evaluated: 2015-06-26. Review status: criteria provided, single submitter. Criteria: Ambry Variant Classification Scheme 2023. Collection method: clinical testing. Allele origin: germline. Not counted in ClinVar's aggregate classification.